The following is an entry in ClinVar:

ClinVar aggregate classification (germline): Uncertain significance (1 of 4 stars; one submission).

Conditions:
DiGeorge syndrome. Also called: Catch22; THIRD AND FOURTH PHARYNGEAL POUCH SYNDROME. Identifiers: Orphanet 567, MedGen C0012236, MONDO:0008564, OMIM 188400.

Allele frequency attached by ClinVar (database versions not stated): gnomAD exomes below 0.00001.
gnomAD v4.1: 2 of 1,344,606 alleles (0.00015%); highest among the groups gnomAD compares: South Asian, 0.0019%; no homozygotes.

Submission:

Labcorp Genetics (formerly Invitae), Labcorp
Classification: Uncertain significance for DiGeorge syndrome. Last evaluated: 2024-09-21. Review status: criteria provided, single submitter. Criteria: Invitae Variant Classification Sherloc (09022015). Collection method: clinical testing. Allele origin: germline.
Comment: This sequence change replaces alanine, which is neutral and non-polar, with threonine, which is neutral and polar, at codon 388 of the TBX1 protein (p.Ala388Thr). This variant is not present in population databases (gnomAD no frequency). This variant has not been reported in the literature in individuals affected with TBX1-related conditions. ClinVar contains an entry for this variant (Variation ID: 1372825). An algorithm developed to predict the effect of missense changes on protein structure and function outputs the following: PolyPhen-2: "Benign". The threonine amino acid residue is found in multiple mammalian species, which suggests that this missense change does not adversely affect protein function. In summary, the available evidence is currently insufficient to determine the role of this variant in disease. Therefore, it has been classified as a Variant of Uncertain Significance.

NM_001379200.1(TBX1):c.1189G>A (p.Ala397Thr)

Gene: TBX1 (T-box transcription factor 1; plus strand). Cytogenetic location: 22q11.21.
Variant type: single nucleotide variant.
Coding change: c.1189G>A on transcript NM_001379200.1 (MANE Select); coding-DNA position 1189, G replaced by A.
Protein change: p.Ala397Thr; replaces alanine 397 with threonine.
Molecular consequence: missense variant. On other transcripts: intron variant (2).
Genome position (GRCh38, 1-based): chr22:19,766,541, G>A. VCF-style: chr22-19766541-G-A. GRCh37 (hg19) VCF-style: chr22-19754064-G-A.
Other names: c.1162G>A, p.Ala388Thr (NM_080647.1); c.1009+539G>A (NM_005992.1, NM_080646.2); short protein forms A388T, A397T.
Identifiers: ClinVar variation 1372825 (VCV001372825.6), dbSNP rs2145838479, ClinGen allele CA410684448.
Genomic context (GRCh38, chr22:19,766,541, plus strand): 5'-GTGCTAAGCCCCTCGCTGCCCGGGGCCGGCGGCGCCGGCGGCTTAGTCCCGCTGCCCGGC[G>A]CGCCCGGAGGCCGGCCCAGTCCCCCGAACCCCGAGCTGCGCCTGGAGGCGCCCGGCGCAT-3'
Protein context (NP_001366129.1, residues 387-407): GAGGLVPLPG[Ala397Thr]PGGRPSPPNP